The following is an entry in ClinVar:

NM_172225.2(DMBX1):c.1003C>T (p.Leu335=)

Gene: DMBX1 (diencephalon/mesencephalon homeobox 1; plus strand). Cytogenetic location: 1p33.
Variant type: single nucleotide variant.
Coding change: c.1003C>T on transcript NM_172225.2 (MANE Select); coding-DNA position 1003, C replaced by T.
Protein change: p.Leu335=; no amino-acid change (leucine 335 retained).
Molecular consequence: synonymous variant.
Genome position (GRCh38, 1-based): chr1:46,512,363, C>T. VCF-style: chr1-46512363-C-T. GRCh37 (hg19) VCF-style: chr1-46978035-C-T.
Other names: c.1003C>T, p.Leu335= (NM_001387775.1); c.1018C>T, p.Leu340= (NM_001387776.1, NM_147192.4).
Identifiers: ClinVar variation 3048870 (VCV003048870.2), dbSNP rs559114828, ClinGen allele CA836806.

ClinVar aggregate classification (germline): Likely benign (0 of 4 stars; one submission).

Conditions:
DMBX1-related disorder. Also called: DMBX1-related condition.

Allele frequency attached by ClinVar (database versions not stated): gnomAD 0.00001; gnomAD exomes 0.00004; ExAC 0.00010; 1000 Genomes Project 30x 0.00016; 1000 Genomes Project 0.00020.

Submission:

PreventionGenetics, part of Exact Sciences
Classification: Likely benign for DMBX1-related condition. Last evaluated: 2019-11-16. Review status: no assertion criteria provided. Collection method: clinical testing. Allele origin: germline.
Comment: This variant is classified as likely benign based on ACMG/AMP sequence variant interpretation guidelines (Richards et al. 2015 PMID: 25741868, with internal and published modifications).